The following is an entry in ClinVar:

ClinVar aggregate classification (germline): Uncertain significance (1 of 4 stars; one submission).

Conditions:
Hereditary cancer-predisposing syndrome. Also called: Tumor predisposition; Neoplastic Syndromes, Hereditary; Hereditary Cancer Syndrome; Hereditary neoplastic syndrome. Identifiers: Orphanet 140162, MedGen C0027672, MeSH D009386, MONDO:0015356.

Submission:

Ambry Genetics
Classification: Uncertain significance for Hereditary cancer-predisposing syndrome. Last evaluated: 2021-09-28. Review status: criteria provided, single submitter. Criteria: Ambry Variant Classification Scheme 2023. Collection method: clinical testing. Allele origin: germline.
Comment: The p.P104T variant (also known as c.310C>A), located in coding exon 2 of the MSH6 gene, results from a C to A substitution at nucleotide position 310. The proline at codon 104 is replaced by threonine, an amino acid with highly similar properties. This amino acid position is highly conserved in available vertebrate species. In addition, this alteration is predicted to be deleterious by in silico analysis. Since supporting evidence is limited at this time, the clinical significance of this alteration remains unclear.

NM_000179.3(MSH6):c.310C>A (p.Pro104Thr)

Gene: MSH6 (mutS homolog 6; plus strand). Cytogenetic location: 2p16.3.
Variant type: single nucleotide variant.
Coding change: c.310C>A on transcript NM_000179.3 (MANE Select); coding-DNA position 310, C replaced by A.
Protein change: p.Pro104Thr; replaces proline 104 with threonine.
Molecular consequence: missense variant. On other transcripts: intron variant (1), 5 prime UTR variant (2).
Genome position (GRCh38, 1-based): chr2:47,790,976, C>A. VCF-style: chr2-47790976-C-A. GRCh37 (hg19) VCF-style: chr2-48018115-C-A.
Other names: c.237+7506C>A (NM_001281492.2); c.-427C>A (NM_001281493.2, NM_001406811.1, NM_001406823.1 and 1 more transcripts); c.-593C>A (NM_001281494.2); c.406C>A, p.Pro136Thr (NM_001406795.1, NM_001406802.1); c.310C>A, p.Pro104Thr (NM_001406796.1, NM_001406798.1, NM_001406800.1 and 6 more transcripts); c.13C>A, p.Pro5Thr (NM_001406797.1, NM_001406801.1, NM_001406805.1 and 10 more transcripts); c.232C>A, p.Pro78Thr (NM_001406804.1); c.-619C>A (NM_001406807.1); and 2 more; short protein forms P136T, P48T, P104T, P5T, P78T.
Identifiers: ClinVar variation 1727727 (VCV001727727.2), dbSNP rs1558651940, ClinGen allele CA346736816.